The following is an entry in ClinVar:

NM_000256.3(MYBPC3):c.1809T>G (p.Ile603Met)

Gene: MYBPC3 (myosin binding protein C3; minus strand). Cytogenetic location: 11p11.2.
Variant type: single nucleotide variant.
Coding change: c.1809T>G on transcript NM_000256.3 (MANE Select); coding-DNA position 1809, T replaced by G.
Protein change: p.Ile603Met; replaces isoleucine 603 with methionine.
Molecular consequence: missense variant.
Genome position (GRCh38, 1-based): chr11:47,341,226, A>C on the plus strand (T>G on the coding strand, the complement: MYBPC3 is on the minus strand). VCF-style: chr11-47341226-A-C. GRCh37 (hg19) VCF-style: chr11-47362777-A-C.
Other names: short protein forms I603M.
Identifiers: ClinVar variation 837763 (VCV000837763.8), dbSNP rs774348756, ClinGen allele CA078307.

ClinVar aggregate classification (germline): Uncertain significance. Review status: criteria provided, multiple submitters, no conflicts (2 of 4 stars). 4 submissions from 4 submitters: Uncertain significance (4). Last evaluated 2025-08-06.

Conditions:
Hypertrophic cardiomyopathy. Also called: HYPERTROPHIC MYOCARDIOPATHY. Identifiers: Orphanet 217569, MedGen C0007194, MeSH D002312, MONDO:0005045, HP:0001639.
Cardiovascular phenotype. Identifiers: MedGen CN230736.
Hypertrophic cardiomyopathy 4. Also called: Familial hypertrophic cardiomyopathy 4. Identifiers: MedGen C1861862, MONDO:0007268, OMIM 115197.
Left ventricular noncompaction 10 (LVNC10). Identifiers: Orphanet 154, Orphanet 54260, MedGen C3715165, MONDO:0014163, OMIM 615396.
Cardiomyopathy (CMYO). Also called: Cardiomyopathies. Identifiers: Orphanet 167848, MedGen C0878544, MONDO:0004994, HP:0001638. Inheritance: Various modes of inheritance.

Allele frequency attached by ClinVar (database versions not stated): gnomAD exomes 0.00001; ExAC 0.00004.
gnomAD v4.1: 8 of 1,592,190 alleles (0.0005%); highest among the groups gnomAD compares: Non-Finnish European, 0.00068%; no homozygotes.

Submissions (4):

Labcorp Genetics (formerly Invitae), Labcorp
Classification: Uncertain significance for Hypertrophic cardiomyopathy. Last evaluated: 2025-08-06. Review status: criteria provided, single submitter. Criteria: Invitae Variant Classification Sherloc (09022015). Collection method: clinical testing. Allele origin: germline.
Comment: This sequence change replaces isoleucine, which is neutral and non-polar, with methionine, which is neutral and non-polar, at codon 603 of the MYBPC3 protein (p.Ile603Met). This variant is present in population databases (rs774348756, gnomAD 0.002%). This missense change has been observed in individual(s) with hypertrophic cardiomyopathy (PMID: 30297972). ClinVar contains an entry for this variant (Variation ID: 837763). An algorithm developed to predict the effect of missense changes on protein structure and function (PolyPhen-2) suggests that this variant is likely to be disruptive. RNA analysis performed to evaluate the impact of this missense change on mRNA splicing indicates it does not significantly alter splicing (PMID: 32034629). In summary, the available evidence is currently insufficient to determine the role of this variant in disease. Therefore, it has been classified as a Variant of Uncertain Significance.

Ambry Genetics
Classification: Uncertain significance for Cardiovascular phenotype. Last evaluated: 2023-09-29. Review status: criteria provided, single submitter. Criteria: Ambry Variant Classification Scheme 2023. Collection method: clinical testing. Allele origin: germline.
Comment: The p.I603M variant (also known as c.1809T>G), located in coding exon 19 of the MYBPC3 gene, results from a T to G substitution at nucleotide position 1809. The isoleucine at codon 603 is replaced by methionine, an amino acid with highly similar properties. This alteration has been reported in a hypertrophic cardiomyopathy (HCM) cohort and in an exome sequencing cohort (Ho CY et al. Circulation, 2018 Oct;138:1387-1398; Park J et al. Nat Med, 2021 Jan;27:66-72). This amino acid position is highly conserved in available vertebrate species. In addition, this alteration is predicted to be deleterious by in silico analysis. Since supporting evidence is limited at this time, the clinical significance of this alteration remains unclear.

Fulgent Genetics
Classification: Uncertain significance for Hypertrophic cardiomyopathy 4; Left ventricular noncompaction 10. Last evaluated: 2021-08-02. Review status: criteria provided, single submitter. Criteria: ACMG Guidelines, 2015. Collection method: clinical testing. Allele origin: unknown.

CHEO Genetics Diagnostic Laboratory, Children's Hospital of Eastern Ontario
Classification: Uncertain significance for Cardiomyopathy. Last evaluated: 2020-12-16. Review status: criteria provided, single submitter. Criteria: ACMG Guidelines, 2015. Collection method: clinical testing. Allele origin: germline.

Literature cited by the submitters: PubMed 30297972 (cited by Labcorp Genetics (formerly Invitae), Labcorp and Ambry Genetics); PubMed 32034629 (cited by Labcorp Genetics (formerly Invitae), Labcorp and Ambry Genetics); PubMed 32841044 (cited by Ambry Genetics); PubMed 33432171 (cited by Ambry Genetics).